The following is an entry in ClinVar:

NM_199355.4(ADAMTS18):c.266C>T (p.Ser89Leu)

Gene: ADAMTS18 (ADAM metallopeptidase with thrombospondin type 1 motif 18; minus strand). Cytogenetic location: 16q23.1.
Variant type: single nucleotide variant.
Coding change: c.266C>T on transcript NM_199355.4 (MANE Select); coding-DNA position 266, C replaced by T.
Protein change: p.Ser89Leu; replaces serine 89 with leucine.
Molecular consequence: missense variant. On other transcripts: 5 prime UTR variant (1).
Genome position (GRCh38, 1-based): chr16:77,431,524, G>A on the plus strand (C>T on the coding strand, the complement: ADAMTS18 is on the minus strand). VCF-style: chr16-77431524-G-A. GRCh37 (hg19) VCF-style: chr16-77465421-G-A.
Other names: c.266C>T (NM_199355.2); c.-255C>T (NM_001326358.2); short protein forms S89L.
Identifiers: ClinVar variation 1365550 (VCV001365550.5), dbSNP rs1054279062, ClinGen allele CA284897509.
Genomic context (GRCh38, chr16:77,431,524, plus strand): 5'-TGCAGTTCCTGTCCAAATGCTGAAAATCGGTAGTGCAGGGAGCTTCTGGCATTCTGCGCC[G>A]ATCGCTTTTTCCTGCCGTTGTGCAAAATGTCGTGTGAAATATATGACCCGGCTGAGTCTA-3'
Protein context (NP_955387.1, residues 79-99): DILHNGRKKR[Ser89Leu]AQNARSSLHY

ClinVar aggregate classification (germline): Uncertain significance. Review status: criteria provided, multiple submitters, no conflicts (2 of 4 stars). 2 submissions from 2 submitters: Uncertain significance (2). Last evaluated 2025-09-28.

Conditions:
Inborn genetic diseases. Identifiers: MedGen C0950123, MeSH D030342.

Allele frequency attached by ClinVar (database versions not stated): gnomAD exomes below 0.00001; TOPMed 0.00001.
gnomAD v4.1: 9 of 1,614,016 alleles (0.00056%); highest among the groups gnomAD compares: South Asian, 0.0011%; no homozygotes.

Submissions (2):

Ambry Genetics
Classification: Uncertain significance for Inborn genetic diseases. Last evaluated: 2025-09-28. Review status: criteria provided, single submitter. Criteria: Ambry Variant Classification Scheme 2023. Collection method: clinical testing. Allele origin: germline.

Labcorp Genetics (formerly Invitae), Labcorp
Classification: Uncertain significance. Last evaluated: 2021-12-23. Review status: criteria provided, single submitter. Criteria: Invitae Variant Classification Sherloc (09022015). Collection method: clinical testing. Allele origin: germline.
Comment: This sequence change replaces serine, which is neutral and polar, with leucine, which is neutral and non-polar, at codon 89 of the ADAMTS18 protein (p.Ser89Leu). This variant is present in population databases (no rsID available, gnomAD 0.003%). This variant has not been reported in the literature in individuals affected with ADAMTS18-related conditions. Algorithms developed to predict the effect of missense changes on protein structure and function are either unavailable or do not agree on the potential impact of this missense change (SIFT: "Not Available"; PolyPhen-2: "Benign"; Align-GVGD: "Not Available"). In summary, the available evidence is currently insufficient to determine the role of this variant in disease. Therefore, it has been classified as a Variant of Uncertain Significance.